The following is an entry in ClinVar:

NM_018249.6(CDK5RAP2):c.128-147A>G

Gene: CDK5RAP2 (CDK5 regulatory subunit associated protein 2; minus strand). Cytogenetic location: 9q33.2.
Variant type: single nucleotide variant.
Coding change: c.128-147A>G on transcript NM_018249.6 (MANE Select); 147 bases into the intron before coding-DNA position 128, A replaced by G.
Molecular consequence: intron variant.
Genome position (GRCh38, 1-based): chr9:120,568,535, T>C on the plus strand (A>G on the coding strand, the complement: CDK5RAP2 is on the minus strand). VCF-style: chr9-120568535-T-C. GRCh37 (hg19) VCF-style: chr9-123330813-T-C.
Other names: c.128-147A>G (NM_001272039.2, NM_001011649.3).
Identifiers: ClinVar variation 678302 (VCV000678302.2), dbSNP rs4837782, ClinGen allele CA199316749.

ClinVar aggregate classification (germline): Benign. Review status: criteria provided, multiple submitters, no conflicts (2 of 4 stars). 2 submissions from 2 submitters: Benign (2). Last evaluated 2018-06-16.

Allele frequency attached by ClinVar (database versions not stated): 1000 Genomes Project 0.82328; 1000 Genomes Project 30x 0.82589; TOPMed 0.86328; gnomAD 0.87209 and 0.87263; gnomAD exomes 0.91183.
gnomAD v4.1: 657,455 of 727,814 alleles (90%); highest among the groups gnomAD compares: Non-Finnish European, 95%; 299,131 homozygotes.

Submissions (2):

GeneDx
Classification: Benign. Last evaluated: 2018-06-16. Review status: criteria provided, single submitter. Criteria: GeneDx Variant Classification (06012015). Collection method: clinical testing. Allele origin: germline. Affected: yes.
Comment: This variant is considered likely benign or benign based on one or more of the following criteria: it is a conservative change, it occurs at a poorly conserved position in the protein, it is predicted to be benign by multiple in silico algorithms, and/or has population frequency not consistent with disease.

Breakthrough Genomics
Classification: Benign. Review status: criteria provided, single submitter. Criteria: ACMG Guidelines, 2015. Collection method: not provided. Allele origin: germline. Inheritance: Autosomal recessive inheritance. Affected: yes.